The following continues an entry in ClinVar:

NM_000552.5(VWF):c.3797C>T (p.Pro1266Leu)

Gene: VWF. ClinVar aggregate classification (germline): Likely benign. Likely benign (1).

Submissions 13 to 21 of 29:

Quest Diagnostics Nichols Institute San Juan Capistrano
Classification: Pathogenic. Last evaluated: 2023-05-31. Review status: criteria provided, single submitter. Criteria: Quest Diagnostics criteria. Collection method: clinical testing. Allele origin: unknown. Not counted in ClinVar's aggregate classification.

Genetics and Molecular Pathology, SA Pathology
Classification: Likely pathogenic for von Willebrand disease type 2. Last evaluated: 2023-05-12. Review status: criteria provided, single submitter. Criteria: ACMG Guidelines, 2015. Collection method: clinical testing. Allele origin: germline. Affected: yes. Not counted in ClinVar's aggregate classification.
Comment: The VWF c.3797C>T variant is classified as LIKELY PATHOGENIC (PM2_supporting, PS4_moderate, PM5, PS3_moderate, PP1_Supporting, PP4) The VWF c.3797C>T variant is a single nucleotide change in exon 28/52 of the VWF gene, which is predicted to change the amino acid proline at position 1266 in the protein to leucine. The variant is rare in population databases (gnomAD allele frequency = 0.088%, 134 het and 0 hom in 152,126 sequenced alleles) (PM2_supporting). It has been reported multiple times in the literature in affected individuals (PMID: 18805962, 28971901, 30817071, 28640903, 29984440, 31532876) (PS4_moderate). This variant is a novel missense change at an amino acid residue where a different missense change (p.Pro1266Gln) has been seen before (PMID: 18805962) (PM5). Functional studies show a deleterious effect of the variant on protein function (PMID: 8486782, 28640903) (PS3_moderate). The variant has been reported in the literature to segregate with disease in autosomal dominant affected individuals (PMID: 8486782) (PP1_Supporting). The clinical features of this case are highly specific for the VWF gene (Phx of RiCOF, ratio <0.6 and high bleeding score) (PP4). The variant has been reported in dbSNP (rs61749370) and in the HGMD database (CM930727). It has been reported as Conflicting interpretations of pathogenicity by other diagnostic laboratories (ClinVar Variation ID: 314).

GeneDx
Classification: Uncertain significance. Last evaluated: 2022-11-14. Review status: criteria provided, single submitter. Criteria: GeneDx Variant Classification Process June 2021. Collection method: clinical testing. Allele origin: germline. Affected: yes. Not counted in ClinVar's aggregate classification.
Comment: Reported (sometimes as P503L due to alternate nomenclature) in multiple unrelated patients from different ethnic backgrounds with von Willebrand disease in published literature (Holmberg et al., 1993; Federici et al., 2009; Casonato et al., 2010; Gupta et al., 2005); Published functional studies suggest this variant may be responsible for enhanced platelet reactivity to lower ristocetin concentrations; however, additional studies are needed to validate the functional effect of this variant in the absence of other VWF variants (Holmberg et al., 1993; Gupta et al., 2005); In silico analysis supports that this missense variant does not alter protein structure/function; This variant is associated with the following publications: (PMID: 16889557, 28980759, 31135071, 30488424, 26827609, 22995991, 8367445, 16985174, 20801902, 18805962, 8486782, 20305138, 29388750, 29924503, 29168270, 31618753, 31980526, 26986123, 28640903, 28971901, 31107984, 29984440, 31532876, 30817071, 34426522, 33556167, 33587123, 33942438, 33807613, 34758185, 31064749, 16115133, 8096943)

Laboratory for Molecular Medicine, Mass General Brigham Personalized Medicine
Classification: Likely pathogenic for Hereditary von Willebrand disease. Last evaluated: 2022-11-04. Review status: criteria provided, single submitter. Criteria: ACMG Guidelines, 2015. Collection method: clinical testing. Allele origin: germline. Inheritance: Autosomal dominant inheritance. Not counted in ClinVar's aggregate classification.
Comment: The p.Pro1266Leu variant (also reported in the literature as Pro503Leu) in VWF has been reported in 6 individuals with von Willebrand disease and segregated with disease in 5 affected individuals from 3 families (Holmberg 1993 PMID: 8486782, Federici 2009 PMID: 18805962, Casonato 2010 PMID: 20305138, Veyradier 2016 PMID: 26986123). It has also been identified in 0.4% (16/3472) of Ashkenazi Jewish chromosomes and 0.3% (38/10620) of Finnish chromosomes by gnomAD, though this may be due to pseudogene contamination. This variant has also been reported in ClinVar (Variation ID 314). Computational prediction tools and conservation analyses do not provide strong support for or against an impact to the protein. Patients with this variant had normal plasma and platelet VWF levels, however, had higher bleeding scores than controls (Casonato 2017 PMID: 28640903). Another study found that this variant did not alter the ability to assemble dimeric species but may increase platelet aggregation, though perhaps less than other variants (Holmberg 1993 PMID: 8486782). In summary, this variant meets criteria to be classified as likely pathogenic . ACMG/AMP Criteria applied: PP1_Moderate, PS4_Moderate, PS3_Supporting, PP4.

Mendelics
Classification: Pathogenic for von Willebrand disease type 1. Last evaluated: 2022-05-04. Review status: criteria provided, single submitter. Criteria: Mendelics Assertion Criteria 2019. Collection method: clinical testing. Allele origin: germline. Not counted in ClinVar's aggregate classification.

New York Genome Center
Classification: Likely pathogenic for von Willebrand disease type 2. Last evaluated: 2021-06-27. Review status: criteria provided, single submitter. Criteria: NYGC Assertion Criteria 2020. Collection method: clinical testing. Allele origin: germline. Observed: 1 heterozygote. Study: CSER-NYCKidSeq. Not counted in ClinVar's aggregate classification.
Comment: The VWF c.3797C>T (p.Pro1266Leu, legacy nomenclature p.Pro503Leu) missense variant is present in the A1 domain (exon 28 of 52) of the VWF protein. Gain-of-function missense or in-frame insertion or deletion variants in this essential binding domain are causative of von Willebrand disease (VWD) type 2B (PMID:20409624). The p.Pro1266Leu missense variant is usually the result of a gene conversion with a VWF pseudogene and may be present with other variants. The p.Pro1266Leu variant has been reported in multiple studies with unrelated individuals with VWD, in homozygous (all of whom carried additional variants) and in heterozygous state with or without additional variants in cis or trans (PMIDs: 8486782; PMID:18805962; PMID: 24675615; PMID: 18485763; PMID: 20305138). The p.Pro1266Leu variant was found to co-segregate with disease in an autosomal dominant pattern in a large family study (PMID: 8486782). Federici et al. (2009) reported that patients carrying the p.Pro1266Leu variant collectively had the lowest bleeding time compared to the other 61 study subjects, as well as one of the lowest bleeding severity scores (PMID: 18805962). Individuals with the p.Pro1266Leu variant are reported to have a normal platelet count, normal platelet morphology, normal VWF protein multimers present in the plasma, but with enhanced platelet aggregation. Functional studies revealed the p.Pro1266Leu variant protein showed levels of protein expression and ability to form dimers comparable to wildtype, but demonstrated platelet aggregation at lower ristocetin concentrations than wildtype, which is consistent with the reported phenotype of the patients (PMID: 8486782; PMID:28640903). This variant is present in Gnomad v3 at an allele frequency of 0.000880 and has been reported in Clinvar as Pathogenic/ Likely Pathogenic by multiple independent submitters (Variation ID: 314). Based on this evidence, the p.Pro1266Leu variant is classified as Likely Pathogenic.

Laboratory of Hematology, Radboud University Medical Center
Classification: Pathogenic for von Willebrand disease type 1. Last evaluated: 2021-03-21. Review status: criteria provided, single submitter. Criteria: ACMG Guidelines, 2015. Collection method: research. Allele origin: germline. Affected: yes. Observed: 2 variant alleles. Study: WIN study. Not counted in ClinVar's aggregate classification.

NIHR Bioresource Rare Diseases, University of Cambridge
Classification: Pathogenic for von Willebrand disorder. Last evaluated: 2019-02-01. Review status: criteria provided, single submitter. Criteria: ACMG Guidelines, 2015. Collection method: research. Allele origin: unknown. Affected: yes. Observed: 1 compound heterozygote. Study: ThromboGenomics. Not counted in ClinVar's aggregate classification.

Rady Children's Institute for Genomic Medicine, Rady Children's Hospital San Diego
Classification: Likely pathogenic for VON WILLEBRAND DISEASE, TYPE 2. Last evaluated: 2018-06-07. Review status: criteria provided, single submitter. Criteria: ACMG Guidelines, 2015. Collection method: clinical testing. Allele origin: germline. Affected: yes. Observed: 1 variant allele. Not counted in ClinVar's aggregate classification.
Comment: This variant is a missense variant located in the A1 domain of the von Willebrand factor (VWF) protein. Gain-of-function missense variants in this essential binding domain have been previously reported as causative for von Willebrand disease type 2B (PMID: 28640903). The c.3797C>T (p.Pro1266Leu) variant was found to co-segregate with disease in an autosomal dominant pattern in a large family study (PMID: 8486782). Federici et al. reported that patients carrying the p.Pro1266Leu variant collectively had the lowest bleeding time compared to the other 61 study subjects, as well as one of the lowest bleeding severity scores (PMID: 18805962). Individuals with the p.Pro1266Leu variant are reported to have a normal platelet count, normal platelet morphology, normal VWF protein multimers present in the plasma, but with enhanced platelet aggregation. Functional studies revealed the p.Pro1266Leu variant protein showed levels of protein expression and ability to form dimers comparable to wild-type, but demonstrated platelet aggregation at lower ristocetin concentrations than wildtype (PMID: 8486782, 28640903). The variant is present in the gnomAD database at an allele frequency of 0.08% (234/281180), and includes a report of one homozygous individual. Based on the combined evidence, the variant is classified as likely pathogenic.